The following is an entry in ClinVar:

ClinVar aggregate classification (germline): Uncertain significance (1 of 4 stars; one submission).

Submission:

Labcorp Genetics (formerly Invitae), Labcorp
Classification: Uncertain significance. Last evaluated: 2023-05-16. Review status: criteria provided, single submitter. Criteria: Invitae Variant Classification Sherloc (09022015). Collection method: clinical testing. Allele origin: germline.
Comment: In summary, the available evidence is currently insufficient to determine the role of this variant in disease. Therefore, it has been classified as a Variant of Uncertain Significance. Variants that disrupt the consensus splice site are a relatively common cause of aberrant splicing (PMID: 17576681, 9536098). Algorithms developed to predict the effect of sequence changes on RNA splicing suggest that this variant is not likely to affect RNA splicing. This variant has not been reported in the literature in individuals affected with RAX2-related conditions. This variant is not present in population databases (gnomAD no frequency). This sequence change falls in intron 2 of the RAX2 gene. It does not directly change the encoded amino acid sequence of the RAX2 protein. It affects a nucleotide within the consensus splice site.

Literature cited by the submitters: PubMed 17576681; PubMed 9536098.

NM_001319074.4(RAX2):c.216+6G>A

Gene: RAX2 (retina and anterior neural fold homeobox 2; minus strand). Cytogenetic location: 19p13.3.
Variant type: single nucleotide variant.
Coding change: c.216+6G>A on transcript NM_001319074.4 (MANE Select); 6 bases into the intron after coding-DNA position 216, G replaced by A.
Molecular consequence: intron variant.
Genome position (GRCh38, 1-based): chr19:3,771,521, C>T on the plus strand (G>A on the coding strand, the complement: RAX2 is on the minus strand). VCF-style: chr19-3771521-C-T. GRCh37 (hg19) VCF-style: chr19-3771519-C-T.
Other names: c.216+6G>A (NM_032753.4).
Identifiers: ClinVar variation 2843049 (VCV002843049.3), dbSNP rs2512318358, ClinGen allele CA2584526188.
Genomic context (GRCh38, chr19:3,771,521, plus strand): 5'-GTCAGGATCTTGCTTTGCCTCCCTCCCCAGGTTGCAAAAGATGTGTGTGTTGGGGGGTGC[C>T]CTCACCTGCACGCGCACCTCAGGTAGGTGCACCTTGGCTGCCAGCTCCTCACGGCTGTAC-3'